The following is an entry in ClinVar:

ClinVar aggregate classification (germline): Uncertain significance (1 of 4 stars; one submission).

Conditions:
Hereditary cancer-predisposing syndrome. Also called: Neoplastic Syndromes, Hereditary; Hereditary neoplastic syndrome; Hereditary Cancer Syndrome; Tumor predisposition. Identifiers: Orphanet 140162, MedGen C0027672, MeSH D009386, MONDO:0015356.

Submission:

Ambry Genetics
Classification: Uncertain significance for Hereditary cancer-predisposing syndrome. Last evaluated: 2026-04-15. Review status: criteria provided, single submitter. Criteria: Ambry Variant Classification Scheme 2023. Collection method: clinical testing. Allele origin: germline.
Comment: The p.H549D variant (also known as c.1645C>G), located in coding exon 17 of the RB1 gene, results from a C to G substitution at nucleotide position 1645. The histidine at codon 549 is replaced by aspartic acid, an amino acid with similar properties. This amino acid position is highly conserved in available vertebrate species. In addition, this alteration is predicted to be deleterious by in silico analysis. Based on the available evidence, the clinical significance of this variant remains unclear.

NM_000321.3(RB1):c.1645C>G (p.His549Asp)

Gene: RB1 (RB transcriptional corepressor 1; plus strand). Cytogenetic location: 13q14.2.
Variant type: single nucleotide variant.
Coding change: c.1645C>G on transcript NM_000321.3 (MANE Select); coding-DNA position 1645, C replaced by G.
Protein change: p.His549Asp; replaces histidine 549 with aspartic acid.
Molecular consequence: missense variant.
Genome position (GRCh38, 1-based): chr13:48,381,393, C>G. VCF-style: chr13-48381393-C-G. GRCh37 (hg19) VCF-style: chr13-48955529-C-G.
Other names: short protein forms H549D.
Identifiers: ClinVar variation 819719 (VCV000819719.5), dbSNP rs1050717570, ClinGen allele CA388163898.
Genomic context (GRCh38, chr13:48,381,393, plus strand): 5'-TACAAAGTGATCGAAAGTTTTATCAAAGCAGAAGGCAACTTGACAAGAGAAATGATAAAA[C>G]ATTTAGAACGATGTGAACATCGAATCATGGAATCCCTTGCATGGCTCTCAGTAAGTAGCT-3'
Protein context (NP_000312.2, residues 539-559): EGNLTREMIK[His549Asp]LERCEHRIME